The following is an entry in ClinVar:

NM_004004.6(GJB2):c.229T>C (p.Trp77Arg)

Gene: GJB2 (gap junction protein beta 2; minus strand). Cytogenetic location: 13q12.11.
Variant type: single nucleotide variant.
Coding change: c.229T>C on transcript NM_004004.6 (MANE Select); coding-DNA position 229, T replaced by C.
Protein change: p.Trp77Arg; replaces tryptophan 77 with arginine.
Molecular consequence: missense variant.
Genome position (GRCh38, 1-based): chr13:20,189,353, A>G on the plus strand (T>C on the coding strand, the complement: GJB2 is on the minus strand). VCF-style: chr13-20189353-A-G. GRCh37 (hg19) VCF-style: chr13-20763492-A-G.
Other names: short protein forms W77R.
Identifiers: ClinVar variation 17003 (VCV000017003.75), dbSNP rs104894397, ClinGen allele CA222246.

ClinVar aggregate classification (germline): Pathogenic/Likely pathogenic. Review status: criteria provided, multiple submitters, no conflicts (2 of 4 stars). 25 submissions from 25 submitters: Pathogenic (20); Likely pathogenic (1). 4 of the submissions do not count toward it. Last evaluated 2026-09-08.

Conditions:
GJB2-related disorder. Also called: GJB2-related condition; GJB2-related disorders. Identifiers: MedGen CN382183, MONDO:1060236.
Rare genetic deafness. Identifiers: Orphanet 96210, MedGen C5680250.
Monogenic hearing loss.
Autosomal recessive nonsyndromic hearing loss 1A (DFNB1A). Also called: Deafness, autosomal recessive 1A; GJB2-Related Autosomal Recessive Nonsyndromic Hearing Loss; Connexin 26 deafness; Deafness nonsyndromic, Connexin 26 linked; Nonsyndromic Hearing Loss and Deafness, DFNB1; GJB6-Related DFNB 1 Nonsyndromic Hearing Loss and Deafness. Identifiers: Orphanet 90636, MedGen C2673759, MONDO:0009076, OMIM 220290.
Palmoplantar keratoderma-deafness syndrome. Also called: Keratoderma palmoplantar, with deafness; Palmoplantar keratoderma and sensorineural deafness; Hereditary palmoplantar keratoderma with deafness (subtype); Focal palmoplantar keratoderma with sensorineural deafness (subtype); Diffuse palmoplantar keratoderma with deafness (subtype). Identifiers: Orphanet 2202, MedGen C1835672, MONDO:0007852, OMIM 148350.
Knuckle pads, deafness AND leukonychia syndrome. Also called: Bart-Pumphrey syndrome. Identifiers: Orphanet 2698, MedGen C0266004, MONDO:0007866, OMIM 149200.
Autosomal dominant keratitis-ichthyosis-hearing loss syndrome. Also called: HID SYNDROME; KID SYNDROME, AUTOSOMAL DOMINANT; Senter syndrome. Identifiers: Orphanet 477, MedGen C0265336, MONDO:0007850, OMIM 148210.
Autosomal dominant nonsyndromic hearing loss 3A. Identifiers: Orphanet 90635, MedGen C2675750, MONDO:0011103, OMIM 601544.
Ichthyosis, hystrix-like, with hearing loss. Also called: Hystrix-like ichthyosis with deafness. Identifiers: Orphanet 477, MedGen C1865234, MONDO:0011245.
Mutilating keratoderma (VOWNKL). Also called: Keratoderma hereditarium mutilans. Identifiers: Orphanet 494, MedGen C0265964, MONDO:0007422, OMIM 124500.
Nonsyndromic genetic hearing loss. Also called: Nonsyndromic hearing loss and deafness; Non-syndromic genetic deafness; Nonsyndromic genetic deafness. Identifiers: Orphanet 87884, MedGen C5680182, MONDO:0019497.
Autosomal recessive nonsyndromic hearing loss 1B. Also called: DEAFNESS, AUTOSOMAL RECESSIVE 1B. Identifiers: Orphanet 90636, MedGen C2675235, MONDO:0012977, OMIM 612645.
Hearing impairment. Also called: Impaired Hearing. Identifiers: MedGen C1384666, MONDO:0005365, HP:0000365.

Allele frequency attached by ClinVar (database versions not stated): gnomAD exomes 0.00004 and 0.00003; gnomAD 0.00011; ExAC 0.00001; TOPMed 0.00011.

Submissions 1 to 12 of 25:

Genetics Laboratory, Great Ormond Street Hospital NHS Foundation Trust, North Thames Genomic Laboratory Hub
Classification: Pathogenic for Monogenic hearing loss. Last evaluated: 2026-09-08. Review status: criteria provided, single submitter. Criteria: ACGS Best Practice Guidelines for Variant Classification in Rare Disease 2024 v1.2. Collection method: clinical testing. Allele origin: germline. Affected: yes.
Comment: PM2_moderate, PP3_supporting, PM3_very-strong

PreventionGenetics, part of Exact Sciences
Classification: Pathogenic for GJB2-related condition. Last evaluated: 2026-06-16. Review status: criteria provided, single submitter. Criteria: ACMG Guidelines, 2015. Collection method: clinical testing. Allele origin: germline.
Comment: The GJB2 c.229T>C variant is predicted to result in the amino acid substitution p.Trp77Arg. This variant was reported, in the homozygous state or in the heterozygous state with a second potentially causative variant, in individuals with autosomal recessive hearing loss (see, for examples, Carrasquillo et al. 1997. PubMed ID: 9328482; Raymond et al. 2019. PubMed ID: 31163360; Downie et al. 2019. PubMed ID: 31827275). This variant is reported in 0.020% of alleles in individuals of Latino descent in gnomAD. This variant is interpreted as pathogenic.

Clinical Genetics Laboratory, Skane University Hospital Lund
Classification: Pathogenic for Autosomal recessive nonsyndromic hearing loss 1A. Last evaluated: 2025-12-22. Review status: criteria provided, single submitter. Criteria: ACMG Guidelines, 2015. Collection method: clinical testing. Allele origin: germline. Affected: yes.
Comment: ACMG criteria used: PS3_moderate, PM2_supporting, PM3_very strong and PP3

Otogenetics
Classification: Pathogenic for Autosomal recessive nonsyndromic hearing loss 1A. Last evaluated: 2025-10-03. Review status: criteria provided, single submitter. Criteria: ACMG Guidelines, 2015. Collection method: clinical testing. Allele origin: germline.
Comment: PS3: Well-established in vitro functional study supportive of damaging effect on the gene product (PMID: 12505163); PM1: Non-truncating non-synonymous variant located in a mutational hot spot and well-established functional domain (TM2) of protein product (PMID: 37892203); PM2: Maximum gnomAD MAF of 0.0202% in American (AMR) subpopulation (<0.185% threshold); PM3_VeryStrong: Variant reported in homozygous state in 2 unrelated patients and in trans with over five other pathogenic variants in multiple patients affected with non-syndromic hearing loss (PMID: 9328482, 11977173, 14985372, 15967879, 16088916, 16380907, 21726435, 22785241); PP3: In-silico models predict deleterious effect (Revel = 0.93, BayesDel = 0.58)

Genomic Medicine Center of Excellence, King Faisal Specialist Hospital and Research Centre
Classification: Likely pathogenic for Autosomal recessive nonsyndromic hearing loss 1A. Last evaluated: 2025-09-10. Review status: criteria provided, single submitter. Criteria: ACMG Guidelines, 2015. Collection method: clinical testing. Allele origin: germline.

Natera, Inc.
Classification: Pathogenic for Autosomal recessive deafness type 1A. Last evaluated: 2025-04-17. Review status: criteria provided, single submitter. Criteria: Natera Variant Classification Schema (03/2026). Collection method: clinical testing. Allele origin: germline.
Comment: The c.229T>C variant in GJB2 is a missense variant predicted to cause substitution of tryptophan to arginine at amino acid 77. This variant is rare in the general population with a frequency below the threshold expected for the associated phenotype(s). This variant has been observed in one or more individuals affected with the associated recessive disease, as either homozygous or compound heterozygous with a second variant (PMID: 11935342, 16545002, 33105617). Computational prediction algorithms indicate this variant is likely to affect gene or protein function. Given the available evidence, this variant is classified as Pathogenic.

Labcorp Genetics (formerly Invitae), Labcorp
Classification: Pathogenic. Last evaluated: 2025-01-05. Review status: criteria provided, single submitter. Criteria: Invitae Variant Classification Sherloc (09022015). Collection method: clinical testing. Allele origin: germline.
Comment: This sequence change replaces tryptophan, which is neutral and slightly polar, with arginine, which is basic and polar, at codon 77 of the GJB2 protein (p.Trp77Arg). This variant is present in population databases (rs104894397, gnomAD 0.02%). This missense change has been observed in individuals with autosomal recessive non-syndromic deafness (PMID: 16467727, 16545002, 19371219). It has also been observed to segregate with disease in related individuals. ClinVar contains an entry for this variant (Variation ID: 17003). Invitae Evidence Modeling of protein sequence and biophysical properties (such as structural, functional, and spatial information, amino acid conservation, physicochemical variation, residue mobility, and thermodynamic stability) indicates that this missense variant is expected to disrupt GJB2 protein function with a positive predictive value of 95%. Experimental studies have shown that this missense change affects GJB2 function (PMID: 10556284, 12064630, 12505163). For these reasons, this variant has been classified as Pathogenic.

Blueprint Genetics
Classification: Pathogenic for GJB2-related disorders. Last evaluated: 2024-08-22. Review status: criteria provided, single submitter. Criteria: ACMG Guidelines, 2015. Collection method: clinical testing. Allele origin: germline. Affected: yes. Observed: 5 variant alleles.

Fulgent Genetics
Classification: Pathogenic for Mutilating keratoderma; Autosomal dominant keratitis-ichthyosis-hearing loss syndrome; Palmoplantar keratoderma-deafness syndrome; Knuckle pads, deafness AND leukonychia syndrome; Autosomal recessive nonsyndromic hearing loss 1A; Autosomal dominant nonsyndromic hearing loss 3A. Last evaluated: 2024-06-04. Review status: criteria provided, single submitter. Criteria: ACMG Guidelines, 2015. Collection method: clinical testing. Allele origin: germline.

Revvity Omics, Revvity
Classification: Pathogenic. Last evaluated: 2022-12-08. Review status: criteria provided, single submitter. Criteria: ACMG Guidelines, 2015. Collection method: clinical testing. Allele origin: germline.

Laboratory for Molecular Medicine, Mass General Brigham Personalized Medicine
Classification: Pathogenic for Rare genetic deafness. Last evaluated: 2022-06-23. Review status: criteria provided, single submitter. Criteria: ACMG Guidelines, 2015. Collection method: clinical testing. Allele origin: germline.
Comment: The p.Trp77Arg variant has been reported in many individuals with hearing loss and was absent from many controls (Carrasquillo 1997 PMID: 9328482, Dalamón 2005 PMID: 15964725, Marlin 2005 PMID: 15967879, Prasad 2000 PMID: 11102979, Rabionet 2000 PMID: 10982180, Shahin 2002 PMID: 11935342, Snoeckx 2005 PMID: 16380907). It was also found to segregate with hearing loss in one large kindred (Carrasquillo 1997 PMID: 9328482). In summary, this variant meets our criteria to be classified as pathogenic. ACMG criteria applied: PM3_VeryStrong, PP1_Strong, PP3, PM2_Supporting.

GeneDx
Classification: Pathogenic. Last evaluated: 2022-04-29. Review status: criteria provided, single submitter. Criteria: GeneDx Variant Classification Process June 2021. Collection method: clinical testing. Allele origin: germline. Affected: yes.
Comment: Published functional studies demonstrate that the W77R variant did not form homotypic junctional channels, had impaired intercellular coupling, was inefficiently targeted to the plasma membrane, and was retained in intracellular stores (Martin et al., 1999; Bruzzone et al., 2003); In silico analysis supports that this missense variant has a deleterious effect on protein structure/function; This variant is associated with the following publications: (PMID: 12064630, 22975760, 14985372, 12505163, 10556284, 9328482, 25388846, 30139988, 15967879, 15964725, 10982180, 11102979, 16380907, 11935342, 22785241, 21726435, 31163360, 31827275, 32747562, 33096615, 31589614, 33105617)